The following is an entry in ClinVar:

ClinVar aggregate classification (germline): Conflicting classifications of pathogenicity. Review status: criteria provided, conflicting classifications (1 of 4 stars). 12 submissions from 11 submitters: Uncertain significance (9); Likely benign (3). Last evaluated 2026-10-01.

Conditions:
BRIP1-related disorder. Also called: BRIP1-related condition; BRIP1-related disorders. Identifiers: MedGen CN239206.
Hereditary cancer-predisposing syndrome. Also called: Neoplastic Syndromes, Hereditary; Tumor predisposition; Hereditary neoplastic syndrome; Hereditary Cancer Syndrome. Identifiers: Orphanet 140162, MedGen C0027672, MeSH D009386, MONDO:0015356.
Fanconi anemia complementation group J. Also called: BRIP1-Related Fanconi Anemia. Identifiers: Orphanet 84, MedGen C1836860, MONDO:0012187, OMIM 609054.
Familial cancer of breast. Also called: Hereditary breast cancer; hereditary breast carcinoma; BREAST CANCER, FAMILIAL. Identifiers: Orphanet 227535, MedGen C0346153, MONDO:0016419, OMIM 114480. Disease mechanism: loss of function.

Allele frequency attached by ClinVar (database versions not stated): gnomAD exomes 0.00001 and 0.00002; TOPMed 0.00001; ExAC 0.00002.
gnomAD v4.1: 11 of 1,614,006 alleles (0.00068%); highest among the groups gnomAD compares: Admixed American, 0.0067%; no homozygotes.

Submissions (12):

St. Jude Molecular Pathology, St. Jude Children's Research Hospital
Classification: Uncertain significance for Familial cancer of breast. Last evaluated: 2026-10-01. Review status: criteria provided, single submitter. Criteria: St. Jude Assertion Criteria 2020. Collection method: clinical testing. Allele origin: germline.
Comment: The BRIP1 c.3298G>A p.(Asp1100Asn) missense change has a maximum subpopulation frequency of 0.01% in gnomAD v2.1.1 (e.org/). The in silico tool REVEL predicts a benign effect on protein function, but to our knowledge this prediction has not been confirmed by functional studies. To our knowledge, this variant has not been reported in individuals with BRIP1-associated c onditions. In summary, the evidence currently available is insufficient to determine the clinical significance of this variant. It has therefore been classified as of uncertain significance.

Labcorp Genetics (formerly Invitae), Labcorp
Classification: Likely benign for Familial cancer of breast; Fanconi anemia complementation group J. Last evaluated: 2025-11-21. Review status: criteria provided, single submitter. Criteria: Invitae Variant Classification Sherloc (09022015). Collection method: clinical testing. Allele origin: germline.

PreventionGenetics, part of Exact Sciences
Classification: Likely benign for BRIP1-related condition. Last evaluated: 2025-10-22. Review status: criteria provided, single submitter. Criteria: ACMG Guidelines, 2015. Collection method: clinical testing. Allele origin: germline.
Comment: This variant is classified as likely benign based on ACMG/AMP sequence variant interpretation guidelines (Richards et al. 2015 PMID: 25741868, with internal and published modifications).

Quest Diagnostics Nichols Institute San Juan Capistrano
Classification: Uncertain significance. Last evaluated: 2025-07-01. Review status: criteria provided, single submitter. Criteria: Quest Diagnostics criteria. Collection method: clinical testing. Allele origin: unknown.
Comment: The BRIP1 c.3298G>A (p.Asp1100Asn) variant has not been reported in individuals with BRIP1-related conditions in the published literature. The frequency of this variant in the general population (Genome Aggregation Database) is uninformative in the assessment of its pathogenicity. Analysis of this variant using bioinformatics tools for the prediction of the effect of amino acid changes on protein structure and function yielded predictions that this variant is benign. Based on the available information, we are unable to determine the clinical significance of this variant.

Center for Genomic Medicine, Rigshospitalet, Copenhagen University Hospital
Classification: Uncertain significance. Last evaluated: 2025-03-04. Review status: criteria provided, single submitter. Criteria: ACMG Guidelines, 2015. Collection method: clinical testing. Allele origin: germline.

St. Jude Molecular Pathology, St. Jude Children's Research Hospital
Classification: Uncertain significance for Fanconi anemia complementation group J. Last evaluated: 2024-08-13. Review status: criteria provided, single submitter. Criteria: St. Jude Assertion Criteria 2020. Collection method: clinical testing. Allele origin: germline.
Comment: The BRIP1 c.3298G>A (p.Asp1100Asn) missense change has a maximum subpopulation frequency of 0.01% in gnomAD v2.1.1. The in silico tool REVEL predicts a benign effect on protein function, but to our knowledge this prediction has not been confirmed by functional studies. To our knowledge, this variant has not been reported as pathogenic in individuals with BRIP1-associated conditions. In summary, the evidence currently available is insufficient to determine the clinical significance of this variant. It has therefore been classified as of uncertain significance.

Ambry Genetics
Classification: Likely benign for Hereditary cancer-predisposing syndrome. Last evaluated: 2024-03-20. Review status: criteria provided, single submitter. Criteria: Ambry Variant Classification Scheme 2023. Collection method: clinical testing. Allele origin: germline.

Baylor Genetics
Classification: Uncertain significance for Familial cancer of breast. Last evaluated: 2024-03-08. Review status: criteria provided, single submitter. Criteria: ACMG Guidelines, 2015. Collection method: clinical testing. Allele origin: unknown.

Color Diagnostics, LLC DBA Color Health
Classification: Uncertain significance for Hereditary cancer-predisposing syndrome. Last evaluated: 2024-03-06. Review status: criteria provided, single submitter. Criteria: ACMG Guidelines, 2015. Collection method: clinical testing. Allele origin: germline.
Comment: This missense variant replaces aspartic acid with asparagine at codon 1100 of the BRIP1 protein. Computational prediction suggests that this variant may not impact protein structure and function (internally defined REVEL score threshold <= 0.5, PMID: 27666373). To our knowledge, functional studies have not been reported for this variant. This variant has not been reported in individuals affected with BRIP1-related disorders in the literature. This variant has been identified in 6/250842 chromosomes in the general population by the Genome Aggregation Database (gnomAD). The available evidence is insufficient to determine the role of this variant in disease conclusively. Therefore, this variant is classified as a Variant of Uncertain Significance.

Women's Health and Genetics/Laboratory Corporation of America, LabCorp
Classification: Uncertain significance. Last evaluated: 2023-06-07. Review status: criteria provided, single submitter. Criteria: LabCorp Variant Classification Summary - May 2015. Collection method: clinical testing. Allele origin: germline.

GeneDx
Classification: Uncertain significance. Last evaluated: 2021-12-07. Review status: criteria provided, single submitter. Criteria: GeneDx Variant Classification Process June 2021. Collection method: clinical testing. Allele origin: germline. Affected: yes.
Comment: In silico analysis supports that this missense variant does not alter protein structure/function; Has not been previously published as pathogenic or benign to our knowledge

Mendelics
Classification: Uncertain significance for Familial cancer of breast. Last evaluated: 2019-05-28. Review status: criteria provided, single submitter. Criteria: Mendelics Assertion Criteria 2017. Collection method: clinical testing. Allele origin: unknown.

NM_032043.3(BRIP1):c.3298G>A (p.Asp1100Asn)

Gene: BRIP1 (BRCA1 interacting DNA helicase 1; minus strand). Cytogenetic location: 17q23.2.
Variant type: single nucleotide variant.
Coding change: c.3298G>A on transcript NM_032043.3 (MANE Select); coding-DNA position 3298, G replaced by A.
Protein change: p.Asp1100Asn; replaces aspartic acid 1100 with asparagine.
Molecular consequence: missense variant.
Genome position (GRCh38, 1-based): chr17:61,683,748, C>T on the plus strand (G>A on the coding strand, the complement: BRIP1 is on the minus strand). VCF-style: chr17-61683748-C-T. GRCh37 (hg19) VCF-style: chr17-59761109-C-T.
Other names: short protein forms D1100N.
Identifiers: ClinVar variation 141666 (VCV000141666.40), dbSNP rs587781923, ClinGen allele CA166081.